The following is an entry in ClinVar:

NM_003722.5(TP63):c.521C>A (p.Pro174Gln)

Gene: TP63 (tumor protein p63; plus strand). Cytogenetic location: 3q28.
Variant type: single nucleotide variant.
Coding change: c.521C>A on transcript NM_003722.5 (MANE Select); coding-DNA position 521, C replaced by A.
Protein change: p.Pro174Gln; replaces proline 174 with glutamine.
Molecular consequence: missense variant. On other transcripts: intron variant (2).
Genome position (GRCh38, 1-based): chr3:189,808,468, C>A. VCF-style: chr3-189808468-C-A. GRCh37 (hg19) VCF-style: chr3-189526257-C-A.
Other names: c.521C>A, p.Pro174Gln (NM_001114978.2, NM_001114979.2, NM_001329144.2 and 1 more transcripts); c.239C>A, p.Pro80Gln (NM_001114980.2, NM_001114981.2, NM_001114982.2 and 2 more transcripts); c.515C>A, p.Pro172Gln (NM_001329964.2); c.42+18626C>A (NM_001329146.2, NM_001329150.2); short protein forms P172Q, P174Q, P80Q.
Identifiers: ClinVar variation 3343130 (VCV003343130.1).

ClinVar aggregate classification (germline): Uncertain significance (1 of 4 stars; one submission).

gnomAD v4.1: 4 of 1,614,204 alleles (0.00025%); highest among the groups gnomAD compares: Non-Finnish European, 0.00025%; no homozygotes.

Submission:

GeneDx
Classification: Uncertain significance. Last evaluated: 2023-04-24. Review status: criteria provided, single submitter. Criteria: GeneDx Variant Classification Process June 2021. Collection method: clinical testing. Allele origin: germline. Affected: yes.
Comment: Not observed at significant frequency in large population cohorts (gnomAD); In silico analysis supports that this missense variant has a deleterious effect on protein structure/function; Has not been previously published as pathogenic or benign to our knowledge; This variant is associated with the following publications: (PMID: 17224651, 21652629)